The following is an entry in ClinVar:

ClinVar aggregate classification (germline): Likely benign. Review status: criteria provided, multiple submitters, no conflicts (2 of 4 stars). 2 submissions from 2 submitters: Likely benign (2). Last evaluated 2026-01-19.

Allele frequency attached by ClinVar (database versions not stated): gnomAD 0.00001; gnomAD exomes below 0.00001.
gnomAD v4.1: 3 of 1,607,936 alleles (0.00019%); highest among the groups gnomAD compares: Admixed American, 0.0017%; no homozygotes.

Submissions (2):

Labcorp Genetics (formerly Invitae), Labcorp
Classification: Likely benign. Last evaluated: 2026-01-19. Review status: criteria provided, single submitter. Criteria: Invitae Variant Classification Sherloc (09022015). Collection method: clinical testing. Allele origin: germline.

Laboratory for Molecular Medicine, Mass General Brigham Personalized Medicine
Classification: Likely benign. Last evaluated: 2013-10-11. Review status: criteria provided, single submitter. Criteria: LMM Criteria. Collection method: clinical testing. Allele origin: germline. Observed: 1 variant allele.
Comment: 4367+8G>A in Intron 32 of PCDH15: This variant is not expected to have clinical significance because it is not located within the splice consensus sequence.

NM_001384140.1(PCDH15):c.4367+8G>A

Gene: PCDH15 (protocadherin related 15; minus strand). Cytogenetic location: 10q21.1.
Variant type: single nucleotide variant.
Coding change: c.4367+8G>A on transcript NM_001384140.1 (MANE Select); 8 bases into the intron after coding-DNA position 4367, G replaced by A.
Molecular consequence: intron variant.
Genome position (GRCh38, 1-based): chr10:53,827,385, C>T on the plus strand (G>A on the coding strand, the complement: PCDH15 is on the minus strand). VCF-style: chr10-53827385-C-T. GRCh37 (hg19) VCF-style: chr10-55587145-C-T.
Other names: c.4367+8G>A (NM_001354420.2, NM_001354429.2, NM_001142772.2 and 3 more transcripts); c.4382+8G>A (NM_001142771.2, NM_001142763.2); c.4388+8G>A (NM_001354411.2); c.4403+8G>A (NM_001142769.3); c.4301+8G>A (NM_001354404.2, NM_001142768.2); c.4292+8G>A (NM_001142773.2); c.4247+8G>A (NM_001142767.2); c.4154+8G>A (NM_001142765.2); and 1 more.
Identifiers: ClinVar variation 179258 (VCV000179258.13), dbSNP rs727504745, ClinGen allele CA184065.